The following is an entry in ClinVar:

ClinVar aggregate classification (germline): Benign/Likely benign. Review status: criteria provided, multiple submitters, no conflicts (2 of 4 stars). 8 submissions from 8 submitters: Benign (1); Likely benign (6). 1 of the submissions does not count toward it. Last evaluated 2026-08-01.

Conditions:
IGF1R-related disorder. Also called: IGF1R-related condition.
Growth delay due to insulin-like growth factor I resistance. Also called: Insulin-Like Growth Factor I Resistance; Somatomedin end-organ insensitivity to; Somatomedin-c resistance to; IGF-1 resistance; IGF-I RESISTANCE. Identifiers: Orphanet 73273, MedGen C1849157, MONDO:0010038, OMIM 270450.

Allele frequency attached by ClinVar (database versions not stated): 1000 Genomes Project 0.00060; 1000 Genomes Project 30x 0.00078; TOPMed 0.00274; gnomAD 0.00281 and 0.00287; gnomAD exomes 0.00314 and 0.00366; ExAC 0.00325; ESP Exome Variant Server 0.00362.
gnomAD v4.1: 5,736 of 1,614,058 alleles (0.36%); highest among the groups gnomAD compares: Non-Finnish European, 0.4%; 17 homozygotes.

Submissions (8):

CeGaT Center for Human Genetics Tuebingen
Classification: Likely benign. Last evaluated: 2026-08-01. Review status: criteria provided, single submitter. Criteria: CeGaT Center For Human Genetics Tuebingen Variant Classification Criteria Version 2. Collection method: clinical testing. Allele origin: germline. Affected: yes. Observed: 17 variant alleles.
Comment: IGF1R: BP4, BS2

Labcorp Genetics (formerly Invitae), Labcorp
Classification: Benign. Last evaluated: 2026-01-26. Review status: criteria provided, single submitter. Criteria: Invitae Variant Classification Sherloc (09022015). Collection method: clinical testing. Allele origin: germline.

Blueprint Genetics
Classification: Likely benign. Last evaluated: 2024-11-25. Review status: criteria provided, single submitter. Criteria: ACMG Guidelines, 2015. Collection method: clinical testing. Allele origin: germline.

Illumina Laboratory Services, Illumina
Classification: Likely benign for Growth delay due to insulin-like growth factor I resistance. Last evaluated: 2017-04-27. Review status: criteria provided, single submitter. Criteria: ICSL Variant Classification Criteria 13 December 2019. Collection method: clinical testing. Allele origin: germline.
Comment: This variant was observed as part of a predisposition screen in an ostensibly healthy population. A literature search was performed for the gene, cDNA change, and amino acid change (where applicable). Publications were found based on this search. The evidence from the literature, in combination with allele frequency data from public databases where available, was sufficient to determine this variant is unlikely to cause disease. Therefore, this variant is classified as likely benign.

Center for Pediatric Genomic Medicine, Children's Mercy Hospital and Clinics
Classification: Likely benign. Last evaluated: 2017-03-17. Review status: criteria provided, single submitter. Criteria: ACMG Guidelines, 2015. Collection method: clinical testing. Allele origin: germline.

Eurofins Ntd Llc (ga)
Classification: Likely benign. Last evaluated: 2014-08-01. Review status: criteria provided, single submitter. Criteria: EGL Classification Definitions 2015. Collection method: clinical testing. Allele origin: germline. Observed: 1 variant allele, 1 heterozygote.

Breakthrough Genomics
Classification: Likely benign. Review status: criteria provided, single submitter. Criteria: ACMG Guidelines, 2015. Collection method: not provided. Allele origin: germline. Inheritance: Autosomal dominant inheritance. Affected: yes.

PreventionGenetics, part of Exact Sciences
Classification: Benign for IGF1R-related condition. Last evaluated: 2019-06-25. Review status: no assertion criteria provided. Collection method: clinical testing. Allele origin: germline. Not counted in ClinVar's aggregate classification.
Comment: This variant is classified as benign based on ACMG/AMP sequence variant interpretation guidelines (Richards et al. 2015 PMID: 25741868, with internal and published modifications).

Literature cited by the submitters: PubMed 18316725 (cited by Illumina Laboratory Services, Illumina).

NM_000875.5(IGF1R):c.1310G>A (p.Arg437His)

Gene: IGF1R (insulin like growth factor 1 receptor; plus strand). Cytogenetic location: 15q26.3.
Variant type: single nucleotide variant.
Coding change: c.1310G>A on transcript NM_000875.5 (MANE Select); coding-DNA position 1310, G replaced by A.
Protein change: p.Arg437His; replaces arginine 437 with histidine.
Molecular consequence: missense variant.
Genome position (GRCh38, 1-based): chr15:98,908,747, G>A. VCF-style: chr15-98908747-G-A. GRCh37 (hg19) VCF-style: chr15-99451976-G-A.
Other names: c.1310G>A, p.Arg437His (NM_001291858.2); short protein forms R437H.
Identifiers: ClinVar variation 198108 (VCV000198108.45), dbSNP rs34516635, ClinGen allele CA203246.